The following is an entry in ClinVar:

NM_201550.4(LRRC10):c.707G>A (p.Arg236His)

Gene: LRRC10 (leucine rich repeat containing 10; minus strand). Cytogenetic location: 12q15.
Variant type: single nucleotide variant.
Coding change: c.707G>A on transcript NM_201550.4 (MANE Select); coding-DNA position 707, G replaced by A.
Protein change: p.Arg236His; replaces arginine 236 with histidine.
Molecular consequence: missense variant.
Genome position (GRCh38, 1-based): chr12:69,610,132, C>T on the plus strand (G>A on the coding strand, the complement: LRRC10 is on the minus strand). VCF-style: chr12-69610132-C-T. GRCh37 (hg19) VCF-style: chr12-70003912-C-T.
Other names: c.707G>A (NM_201550.2); short protein forms R236H.
Identifiers: ClinVar variation 936034 (VCV000936034.11), dbSNP rs570820489, ClinGen allele CA6681013.
Genomic context (GRCh38, chr12:69,610,132, plus strand): 5'-GCATAGCGCCTGGCTTTTCTAGGGTCGGGCTCTGGCGTCTCCTCTGCCCATCTCCCCACA[C>T]GGCGCACACCTTTGGCCACCTTGGGTGCGTTCCTGCAAGGATTGTGGTCATAGATGACCA-3'
Protein context (NP_963844.2, residues 226-246): NAPKVAKGVR[Arg236His]VGRWAEETPE

ClinVar aggregate classification (germline): Uncertain significance. Review status: criteria provided, multiple submitters, no conflicts (2 of 4 stars). 2 submissions from 2 submitters: Uncertain significance (2). Last evaluated 2025-11-24.

Allele frequency attached by ClinVar (database versions not stated): gnomAD exomes 0.00006 and 0.00017; ExAC 0.00008; TOPMed 0.00010; gnomAD 0.00015 and 0.00016; 1000 Genomes Project 0.00060; 1000 Genomes Project 30x 0.00062.

Submissions (2):

Ambry Genetics
Classification: Uncertain significance. Last evaluated: 2025-11-24. Review status: criteria provided, single submitter. Criteria: Ambry Variant Classification Scheme 2023. Collection method: clinical testing. Allele origin: germline.

Labcorp Genetics (formerly Invitae), Labcorp
Classification: Uncertain significance. Last evaluated: 2025-10-19. Review status: criteria provided, single submitter. Criteria: Invitae Variant Classification Sherloc (09022015). Collection method: clinical testing. Allele origin: germline.
Comment: This sequence change replaces arginine, which is basic and polar, with histidine, which is basic and polar, at codon 236 of the LRRC10 protein (p.Arg236His). This variant is present in population databases (rs570820489, gnomAD 0.01%). This variant has not been reported in the literature in individuals affected with LRRC10-related conditions. ClinVar contains an entry for this variant (Variation ID: 936034). An algorithm developed to predict the effect of missense changes on protein structure and function (PolyPhen-2) suggests that this variant is likely to be disruptive. In summary, the available evidence is currently insufficient to determine the role of this variant in disease. Therefore, it has been classified as a Variant of Uncertain Significance.